The following is an entry in ClinVar:

ClinVar aggregate classification (germline): Uncertain significance (1 of 4 stars; one submission).

Conditions:
Spinocerebellar ataxia type 19/22 (SCA19). Also called: SPINOCEREBELLAR ATAXIA 19; SPINOCEREBELLAR ATAXIA 22. Identifiers: Orphanet 98772, MedGen C1846367, MONDO:0011819, OMIM 607346.

Submission:

Labcorp Genetics (formerly Invitae), Labcorp
Classification: Uncertain significance for Spinocerebellar ataxia type 19/22. Last evaluated: 2021-03-18. Review status: criteria provided, single submitter. Criteria: Invitae Variant Classification Sherloc (09022015). Collection method: clinical testing. Allele origin: germline.
Comment: In summary, the available evidence is currently insufficient to determine the role of this variant in disease. Therefore, it has been classified as a Variant of Uncertain Significance. Algorithms developed to predict the effect of missense changes on protein structure and function (SIFT, PolyPhen-2, Align-GVGD) all suggest that this variant is likely to be tolerated, but these predictions have not been confirmed by published functional studies and their clinical significance is uncertain. This variant has not been reported in the literature in individuals with KCND3-related conditions. This variant is not present in population databases (ExAC no frequency). This sequence change replaces valine with leucine at codon 239 of the KCND3 protein (p.Val239Leu). The valine residue is highly conserved and there is a small physicochemical difference between valine and leucine.

NM_001378969.1(KCND3):c.715G>C (p.Val239Leu)

Gene: KCND3 (potassium voltage-gated channel subfamily D member 3; minus strand). Cytogenetic location: 1p13.2.
Variant type: single nucleotide variant.
Coding change: c.715G>C on transcript NM_001378969.1 (MANE Select); coding-DNA position 715, G replaced by C.
Protein change: p.Val239Leu; replaces valine 239 with leucine.
Molecular consequence: missense variant.
Genome position (GRCh38, 1-based): chr1:111,982,012, C>G on the plus strand (G>C on the coding strand, the complement: KCND3 is on the minus strand). VCF-style: chr1-111982012-C-G. GRCh37 (hg19) VCF-style: chr1-112524634-C-G.
Other names: c.715G>C, p.Val239Leu (NM_001378970.1, NM_004980.5, NM_172198.3); short protein forms V239L.
Identifiers: ClinVar variation 1516986 (VCV001516986.8), dbSNP rs2101996463, ClinGen allele CA341821523.